The following is an entry in ClinVar:

ClinVar aggregate classification (germline): Benign/Likely benign. Review status: criteria provided, multiple submitters, no conflicts (2 of 4 stars). 7 submissions from 7 submitters: Benign (1); Likely benign (5). 1 of the submissions does not count toward it. Last evaluated 2026-01-16.

Conditions:
X-linked Alport syndrome (ATS1). Also called: NEPHROPATHY AND DEAFNESS, X-LINKED; COL4A5-Related Nephropathy. Identifiers: Orphanet 63, Orphanet 88917, MedGen C4746986, MONDO:0010520, OMIM 301050.

Allele frequency attached by ClinVar (database versions not stated): TOPMed 0.00020; gnomAD 0.00024 and 0.00025; 1000 Genomes Project 0.00026; ESP Exome Variant Server 0.00028; gnomAD exomes 0.00030; 1000 Genomes Project 30x 0.00042; ExAC 0.00043.
gnomAD v4.1: 355 of 1,208,657 alleles (0.029%); highest among the groups gnomAD compares: South Asian, 0.089%; 1 homozygote.

Submissions (7):

Labcorp Genetics (formerly Invitae), Labcorp
Classification: Benign. Last evaluated: 2026-01-16. Review status: criteria provided, single submitter. Criteria: Invitae Variant Classification Sherloc (09022015). Collection method: clinical testing. Allele origin: germline.

Mayo Clinic Laboratories, Mayo Clinic
Classification: Likely benign. Last evaluated: 2025-07-11. Review status: criteria provided, single submitter. Criteria: ACMG Guidelines, 2015. Collection method: clinical testing. Allele origin: germline. Observed: 1 variant allele.
Comment: BS1, BP4, BP7

Blueprint Genetics
Classification: Likely benign. Last evaluated: 2024-07-11. Review status: criteria provided, single submitter. Criteria: ACMG Guidelines, 2015. Collection method: clinical testing. Allele origin: germline.

CeGaT Center for Human Genetics Tuebingen
Classification: Likely benign. Last evaluated: 2022-09-01. Review status: criteria provided, single submitter. Criteria: CeGaT Center For Human Genetics Tuebingen Variant Classification Criteria Version 2. Collection method: clinical testing. Allele origin: germline. Affected: yes. Observed: 1 variant allele.
Comment: COL4A5: BP4, BP7

GeneDx
Classification: Likely benign. Last evaluated: 2019-07-08. Review status: criteria provided, single submitter. Criteria: GeneDx Variant Classification Process June 2021. Collection method: clinical testing. Allele origin: germline. Affected: yes.

Laboratory for Molecular Medicine, Mass General Brigham Personalized Medicine
Classification: Likely benign. Last evaluated: 2017-08-23. Review status: criteria provided, single submitter. Criteria: LMM Criteria. Collection method: clinical testing. Allele origin: germline. Observed: 1 variant allele.
Comment: p.Pro993Pro in exon 34 of COL4A5: This variant is not expected to have clinical significance because it does not alter an amino acid residue and is not located within the splice consensus sequence. It has been identified in 0.09% (7/7616) of South Asian chromosomes by the Exome Aggregation Consortium (ExAC; dbSNP rs41306255).

Natera, Inc.
Classification: Likely benign for X-linked Alport syndrome. Last evaluated: 2020-04-11. Review status: no assertion criteria provided. Collection method: clinical testing. Allele origin: germline. Not counted in ClinVar's aggregate classification.

NM_033380.3(COL4A5):c.2979T>G (p.Pro993=)

Gene: COL4A5 (collagen type IV alpha 5 chain; plus strand). Cytogenetic location: Xq22.3.
Variant type: single nucleotide variant.
Coding change: c.2979T>G on transcript NM_033380.3 (MANE Select); coding-DNA position 2979, T replaced by G.
Protein change: p.Pro993=; no amino-acid change (proline 993 retained).
Molecular consequence: synonymous variant.
Genome position (GRCh38, 1-based): chrX:108,624,297, T>G. VCF-style: chrX-108624297-T-G. GRCh37 (hg19) VCF-style: chrX-107867527-T-G.
Other names: p.Pro993=; c.2979T>G, p.Pro993= (NM_000495.5).
Identifiers: ClinVar variation 739740 (VCV000739740.45), dbSNP rs41306255, ClinGen allele CA10489006.